The following is an entry in ClinVar:

ClinVar aggregate classification (germline): Likely benign. Review status: criteria provided, multiple submitters, no conflicts (2 of 4 stars). 3 submissions from 3 submitters: Likely benign (2). 1 of the submissions does not count toward it. Last evaluated 2018-10-02.

Conditions:
TAF15-related disorder. Also called: TAF15-related condition.

Allele frequency attached by ClinVar (database versions not stated): gnomAD exomes 0.00001 and 0.00003; ExAC 0.00004; gnomAD 0.00008 and 0.00009; 1000 Genomes Project 0.00020.
gnomAD v4.1: 55 of 1,592,592 alleles (0.0035%); highest among the groups gnomAD compares: African/African-American, 0.027%; no homozygotes.

Submissions (3):

GeneDx
Classification: Likely benign. Last evaluated: 2018-10-02. Review status: criteria provided, single submitter. Criteria: GeneDx Variant Classification Process June 2021. Collection method: clinical testing. Allele origin: germline. Affected: yes.

Breakthrough Genomics
Classification: Likely benign. Review status: criteria provided, single submitter. Criteria: ACMG Guidelines, 2015. Collection method: not provided. Allele origin: germline. Inheritance: Unknown mechanism. Affected: yes.

PreventionGenetics, part of Exact Sciences
Classification: Uncertain significance for TAF15-related condition. Last evaluated: 2024-07-20. Review status: no assertion criteria provided. Collection method: clinical testing. Allele origin: germline. Not counted in ClinVar's aggregate classification.
Comment: The TAF15 c.1364A>G variant is predicted to result in the amino acid substitution p.Tyr455Cys. This variant was reported in an individual with Motor neuron disease (Xie et al 2023. PubMed ID: 36318336). This variant is reported in 0.035% of alleles in individuals of African descent in gnomAD. Although we suspect that this variant may be benign, at this time, the clinical significance of this variant is uncertain due to the absence of conclusive functional and genetic evidence.

NM_139215.3(TAF15):c.1364A>G (p.Tyr455Cys)

Gene: TAF15 (TATA-box binding protein associated factor 15; plus strand). Cytogenetic location: 17q12.
Variant type: single nucleotide variant.
Coding change: c.1364A>G on transcript NM_139215.3 (MANE Select); coding-DNA position 1364, A replaced by G.
Protein change: p.Tyr455Cys; replaces tyrosine 455 with cysteine.
Molecular consequence: missense variant.
Genome position (GRCh38, 1-based): chr17:35,844,663, A>G. VCF-style: chr17-35844663-A-G. GRCh37 (hg19) VCF-style: chr17-34171667-A-G.
Other names: c.1355A>G, p.Tyr452Cys (NM_003487.4); short protein forms Y452C, Y455C.
Identifiers: ClinVar variation 1215694 (VCV001215694.5), dbSNP rs560923327, ClinGen allele CA290041351.
Genomic context (GRCh38, chr17:35,844,663, plus strand): 5'-GTGGCTACAGCGGAGATAGAAGTGGGGGCGGCTATGGTGGAGACAGAAGTGGGGGTGGCT[A>G]TGGTGGGGACAGAGGCGGCGGCTATGGTGGGGACAGAGGAGGCGGCTATGGAGGAGACCG-3'
Protein context (NP_631961.1, residues 445-465): GYGGDRSGGG[Tyr455Cys]GGDRGGGYGG